The following is an entry in ClinVar:

ClinVar aggregate classification (germline): Uncertain significance (1 of 4 stars; one submission).

Conditions:
Neuronopathy, distal hereditary motor, autosomal recessive 4. Also called: NEUROPATHY, DISTAL HEREDITARY MOTOR, AUTOSOMAL RECESSIVE 4; Autosomal recessive lower motor neuron disease with childhood onset. Identifiers: Orphanet 206580, MedGen C1970211, MONDO:0012608, OMIM 611067.
Charcot-Marie-Tooth disease recessive intermediate C. Also called: CHARCOT-MARIE-TOOTH NEUROPATHY, RECESSIVE INTERMEDIATE C. Identifiers: Orphanet 369867, MedGen C3809309, MONDO:0014154, OMIM 615376.

Submission:

Labcorp Genetics (formerly Invitae), Labcorp
Classification: Uncertain significance for Neuronopathy, distal hereditary motor, autosomal recessive 4; Charcot-Marie-Tooth disease recessive intermediate C. Last evaluated: 2022-10-13. Review status: criteria provided, single submitter. Criteria: Invitae Variant Classification Sherloc (09022015). Collection method: clinical testing. Allele origin: germline.
Comment: This sequence change replaces isoleucine, which is neutral and non-polar, with threonine, which is neutral and polar, at codon 991 of the PLEKHG5 protein (p.Ile991Thr). This variant is not present in population databases (gnomAD no frequency). This variant has not been reported in the literature in individuals affected with PLEKHG5-related conditions. Algorithms developed to predict the effect of missense changes on protein structure and function are either unavailable or do not agree on the potential impact of this missense change (SIFT: "Tolerated"; PolyPhen-2: "Probably Damaging"; Align-GVGD: "Class C0"). In summary, the available evidence is currently insufficient to determine the role of this variant in disease. Therefore, it has been classified as a Variant of Uncertain Significance.

NM_020631.6(PLEKHG5):c.2972T>C (p.Ile991Thr)

Gene: PLEKHG5 (pleckstrin homology and RhoGEF domain containing G5; minus strand). Cytogenetic location: 1p36.31.
Variant type: single nucleotide variant.
Coding change: c.2972T>C on transcript NM_020631.6 (MANE Select); coding-DNA position 2972, T replaced by C.
Protein change: p.Ile991Thr; replaces isoleucine 991 with threonine.
Molecular consequence: missense variant. On other transcripts: synonymous variant (1).
Genome position (GRCh38, 1-based): chr1:6,467,864, A>G on the plus strand (T>C on the coding strand, the complement: PLEKHG5 is on the minus strand). VCF-style: chr1-6467864-A-G. GRCh37 (hg19) VCF-style: chr1-6527924-A-G.
Other names: c.3083T>C, p.Ile1028Thr (NM_001042663.3, NM_001265592.2); c.2972T>C, p.Ile991Thr (NM_001042664.2, NM_001042665.2, NM_198681.4); c.3179T>C, p.Ile1060Thr (NM_001265593.2); c.2772T>C, p.Asn924= (NM_001265594.3); short protein forms I1060T, I1028T, I991T.
Identifiers: ClinVar variation 2167482 (VCV002167482.1), dbSNP rs2523102216, ClinGen allele CA338113513.